The following is an entry in ClinVar:

ClinVar aggregate classification (germline): Pathogenic (1 of 4 stars; one submission).

Conditions:
Primary ciliary dyskinesia 27. Also called: CILIARY DYSKINESIA, PRIMARY, 27, WITHOUT SITUS INVERSUS. Identifiers: Orphanet 244, MedGen C3809701, MONDO:0014215, OMIM 615504.

gnomAD v4.1: 1 of 1,613,724 alleles (0.000062%); highest among the groups gnomAD compares: Non-Finnish European, 0.000085%; no homozygotes.

Submission:

Labcorp Genetics (formerly Invitae), Labcorp
Classification: Pathogenic for Primary ciliary dyskinesia 27. Last evaluated: 2026-01-21. Review status: criteria provided, single submitter. Criteria: Invitae Variant Classification Sherloc (09022015). Collection method: clinical testing. Allele origin: germline.
Comment: This sequence change creates a premature translational stop signal (p.Tyr113*) in the CCDC65 gene. It is expected to result in an absent or disrupted protein product. Loss-of-function variants in CCDC65 are known to be pathogenic (PMID: 23991085, 24094744). This variant is not present in population databases (gnomAD no frequency). This variant has not been reported in the literature in individuals affected with CCDC65-related conditions. For these reasons, this variant has been classified as Pathogenic.

Literature cited by the submitters: PubMed 23991085; PubMed 24094744.

NM_033124.5(DRC2):c.339C>A (p.Tyr113Ter)

Gene: DRC2 (dynein regulatory complex subunit 2; plus strand). Cytogenetic location: 12q13.12.
Variant type: single nucleotide variant.
Coding change: c.339C>A on transcript NM_033124.5 (MANE Select); coding-DNA position 339, C replaced by A.
Protein change: p.Tyr113Ter; replaces tyrosine 113 with a stop codon.
Molecular consequence: nonsense. On other transcripts: 5 prime UTR variant (1).
Genome position (GRCh38, 1-based): chr12:48,914,442, C>A. VCF-style: chr12-48914442-C-A. GRCh37 (hg19) VCF-style: chr12-49308225-C-A.
Other names: c.-91C>A (NM_001286957.2); short protein forms Y113*.
Identifiers: ClinVar variation 4788719 (VCV004788719.1).